The following is an entry in ClinVar:

NM_004064.5(CDKN1B):c.513A>T (p.Glu171Asp)

Gene: CDKN1B (cyclin dependent kinase inhibitor 1B; plus strand). Cytogenetic location: 12p13.1.
Variant type: single nucleotide variant.
Coding change: c.513A>T on transcript NM_004064.5 (MANE Select); coding-DNA position 513, A replaced by T.
Protein change: p.Glu171Asp; replaces glutamic acid 171 with aspartic acid.
Molecular consequence: missense variant.
Genome position (GRCh38, 1-based): chr12:12,718,862, A>T. VCF-style: chr12-12718862-A-T. GRCh37 (hg19) VCF-style: chr12-12871796-A-T.
Other names: c.513A>T (NM_004064.3); short protein forms E171D.
Identifiers: ClinVar variation 2814109 (VCV002814109.4), dbSNP rs2497407523, ClinGen allele CA383972849.

ClinVar aggregate classification (germline): Uncertain significance. Review status: criteria provided, multiple submitters, no conflicts (2 of 4 stars). 2 submissions from 2 submitters: Uncertain significance (2). Last evaluated 2025-12-17.

Conditions:
Multiple endocrine neoplasia type 4. Also called: MULTIPLE ENDOCRINE NEOPLASIA, TYPE IV. Identifiers: Orphanet 276152, MedGen C1970712, MONDO:0012552, OMIM 610755.
Hereditary cancer-predisposing syndrome. Also called: Hereditary Cancer Syndrome; Hereditary neoplastic syndrome; Neoplastic Syndromes, Hereditary; Tumor predisposition. Identifiers: Orphanet 140162, MedGen C0027672, MeSH D009386, MONDO:0015356.

Submissions (2):

Labcorp Genetics (formerly Invitae), Labcorp
Classification: Uncertain significance for Multiple endocrine neoplasia type 4. Last evaluated: 2025-12-17. Review status: criteria provided, single submitter. Criteria: Invitae Variant Classification Sherloc (09022015). Collection method: clinical testing. Allele origin: germline.
Comment: This sequence change replaces glutamic acid, which is acidic and polar, with aspartic acid, which is acidic and polar, at codon 171 of the CDKN1B protein (p.Glu171Asp). This variant is not present in population databases (gnomAD no frequency). This variant has not been reported in the literature in individuals affected with CDKN1B-related conditions. ClinVar contains an entry for this variant (Variation ID: 2814109). An algorithm developed to predict the effect of missense changes on protein structure and function outputs the following: PolyPhen-2: "Benign". The aspartic acid amino acid residue is found in multiple mammalian species, which suggests that this missense change does not adversely affect protein function. In summary, the available evidence is currently insufficient to determine the role of this variant in disease. Therefore, it has been classified as a Variant of Uncertain Significance.

Ambry Genetics
Classification: Uncertain significance for Hereditary cancer-predisposing syndrome. Last evaluated: 2025-01-14. Review status: criteria provided, single submitter. Criteria: Ambry Variant Classification Scheme 2023. Collection method: clinical testing. Allele origin: germline.
Comment: The p.E171D variant (also known as c.513A>T), located in coding exon 2 of the CDKN1B gene, results from an A to T substitution at nucleotide position 513. The glutamic acid at codon 171 is replaced by aspartic acid, an amino acid with highly similar properties. This amino acid position is conserved. In addition, this alteration is predicted to be tolerated by in silico analysis. Based on the available evidence, the clinical significance of this variant remains unclear.